The following is an entry in ClinVar:

ClinVar aggregate classification (germline): Uncertain significance (1 of 4 stars; one submission).

gnomAD v4.1: 2 of 1,612,338 alleles (0.00012%); highest among the groups gnomAD compares: Non-Finnish European, 0.00017%; no homozygotes.

Submission:

Labcorp Genetics (formerly Invitae), Labcorp
Classification: Uncertain significance. Last evaluated: 2024-02-29. Review status: criteria provided, single submitter. Criteria: Invitae Variant Classification Sherloc (09022015). Collection method: clinical testing. Allele origin: germline.
Comment: This sequence change replaces glutamic acid, which is acidic and polar, with lysine, which is basic and polar, at codon 2497 of the ACAN protein (p.Glu2497Lys). This variant is not present in population databases (gnomAD no frequency). This variant has not been reported in the literature in individuals affected with ACAN-related conditions. An algorithm developed to predict the effect of missense changes on protein structure and function (PolyPhen-2) suggests that this variant is likely to be disruptive. In summary, the available evidence is currently insufficient to determine the role of this variant in disease. Therefore, it has been classified as a Variant of Uncertain Significance.

NM_001369268.1(ACAN):c.7603G>A (p.Glu2535Lys)

Gene: ACAN (aggrecan; plus strand). Cytogenetic location: 15q26.1.
Variant type: single nucleotide variant.
Coding change: c.7603G>A on transcript NM_001369268.1 (MANE Select); coding-DNA position 7603, G replaced by A.
Protein change: p.Glu2535Lys; replaces glutamic acid 2535 with lysine.
Molecular consequence: missense variant. On other transcripts: intron variant (1).
Genome position (GRCh38, 1-based): chr15:88,873,997, G>A. VCF-style: chr15-88873997-G-A. GRCh37 (hg19) VCF-style: chr15-89417228-G-A.
Other names: c.7489G>A, p.Glu2497Lys (NM_001411097.1, NM_013227.4); c.7220-408G>A (NM_001135.4); c.7375G>A, p.Glu2459Lys (NM_001411096.1); short protein forms E2459K, E2497K, E2535K.
Identifiers: ClinVar variation 3669523 (VCV003669523.2).